The following is an entry in ClinVar:

ClinVar aggregate classification (germline): Pathogenic/Likely pathogenic. Review status: criteria provided, multiple submitters, no conflicts (2 of 4 stars). 2 submissions from 2 submitters: Pathogenic (1); Likely pathogenic (1). Last evaluated 2025-02-26.

Conditions:
Familial hypokalemia-hypomagnesemia (GTLMNS). Also called: gitelman syndrome; HYPOMAGNESEMIA-HYPOKALEMIA, PRIMARY RENOTUBULAR, WITH HYPOCALCIURIA; POTASSIUM AND MAGNESIUM DEPLETION. Identifiers: Orphanet 358, MedGen C0268450, MONDO:0009904, OMIM 263800.

Submissions (2):

Women's Health and Genetics/Laboratory Corporation of America, LabCorp
Classification: Likely pathogenic for Familial hypokalemia-hypomagnesemia. Last evaluated: 2025-02-26. Review status: criteria provided, single submitter. Criteria: LabCorp Variant Classification Summary - May 2015. Collection method: clinical testing. Allele origin: germline.
Comment: Variant summary: SLC12A3 c.1095+4A>G alters a non-conserved nucleotide located close to a canonical splice site and therefore could affect mRNA splicing, leading to a significantly altered protein sequence. Several computational tools predict a significant impact on normal splicing: Four predict the variant weakens a 5' donor site. One predicts the variant creates a 5' donor site. At least one publication reports experimental evidence in an in vitro midigene assay that this variant affects mRNA splicing, resulting in out of frame skipping of exon 8, expected to result in nonsense mediated decay, however wild type transcript still remained in approximately 50% of the sample (example, Viering_2024). The variant was absent in 251356 control chromosomes. c.1095+4A>G has been reported in the presumed compound heterozygous state in the literature in individuals affected with Gitelman syndrome (example, Vargas-Poussou_2011, Viering_2023). These data indicate that the variant may be associated with disease. The following publications have been ascertained in the context of this evaluation (PMID: 21415153, 36302598). ClinVar contains an entry for this variant (Variation ID: 1684182). Based on the evidence outlined above, the variant was classified as likely pathogenic.

European Hospital Georges Pompidou Genetics Department, Assistance Publique - Hôpitaux de Paris AP-HP
Classification: Pathogenic for Familial hypokalemia-hypomagnesemia. Last evaluated: 2022-04-27. Review status: criteria provided, single submitter. Criteria: ACMG Guidelines, 2015. Collection method: clinical testing, in vitro. Allele origin: germline. Affected: yes.
Comment: ACMG criteria used:PS3, M2, PM3, PP1, PP3, PP5

Literature cited by the submitters: PubMed 21415153 (cited by Women's Health and Genetics/Laboratory Corporation of America, LabCorp); PubMed 36302598 (cited by Women's Health and Genetics/Laboratory Corporation of America, LabCorp).

NM_001126108.2(SLC12A3):c.1095+4A>G

Gene: SLC12A3 (solute carrier family 12 member 3; plus strand). Cytogenetic location: 16q13.
Variant type: single nucleotide variant.
Coding change: c.1095+4A>G on transcript NM_001126108.2 (MANE Select); 4 bases into the intron after coding-DNA position 1095, A replaced by G.
Molecular consequence: intron variant.
Genome position (GRCh38, 1-based): chr16:56,872,790, A>G. VCF-style: chr16-56872790-A-G. GRCh37 (hg19) VCF-style: chr16-56906702-A-G.
Other names: c.1095+4A>G (NM_000339.3); c.1092+4A>G (NM_001126107.2).
Identifiers: ClinVar variation 1684182 (VCV001684182.2), dbSNP rs2144695925, ClinGen allele CA2573152453.
Genomic context (GRCh38, chr16:56,872,790, plus strand): 5'-TTCTTCCCCTCGGCCACAGGCATCCTGGCAGGGGCCAACATATCTGGTGACCTCAAGGTG[A>G]GCAGAATACTTGCCCCTCCTGTGTCCTGGCACTGCACAGGGGCTATGAGCAGAATCCTGC-3'